The following is an entry in ClinVar:

NM_206933.4(USH2A):c.4823A>G (p.His1608Arg)

Gene: USH2A (usherin; minus strand). Cytogenetic location: 1q41.
Variant type: single nucleotide variant.
Coding change: c.4823A>G on transcript NM_206933.4 (MANE Select); coding-DNA position 4823, A replaced by G.
Protein change: p.His1608Arg; replaces histidine 1608 with arginine.
Molecular consequence: missense variant.
Genome position (GRCh38, 1-based): chr1:216,089,075, T>C on the plus strand (A>G on the coding strand, the complement: USH2A is on the minus strand). VCF-style: chr1-216089075-T-C. GRCh37 (hg19) VCF-style: chr1-216262417-T-C.
Other names: NM_206933.4(USH2A):c.4823A>G; p.His1608Arg; short protein forms H1608R.
Identifiers: ClinVar variation 942974 (VCV000942974.13), dbSNP rs2032221370, ClinGen allele CA344860725.

ClinVar aggregate classification (germline): Uncertain significance. Review status: reviewed by expert panel (3 of 4 stars). 4 submissions from 4 submitters: Uncertain significance (1). 3 of the submissions do not count toward it. Last evaluated 2025-06-18.

Conditions:
Usher syndrome. Also called: Usher Syndromes; Usher's syndrome. Identifiers: Orphanet 886, MedGen CN469326, MeSH D052245, MONDO:0019501. Disease mechanism: loss of function.
Retinal dystrophy. Also called: Inherited retinal dystrophy. Identifiers: Orphanet 71862, MedGen C0854723, MeSH D058499, MONDO:0019118, HP:0000556.

Submissions (4):

ClinGen Hearing Loss Variant Curation Expert Panel
Classification: Uncertain significance for Usher syndrome. Last evaluated: 2025-06-18. Review status: reviewed by expert panel. Criteria: Clingen Hl Acmg Specifications Cdh23 Coch Gjb2 Kcnq4 Myo6 Myo7a Slc26a4 Tecta Ush2a V2. Collection method: curation. Allele origin: germline. Inheritance: Autosomal recessive inheritance.
Comment: The c.4823A>G variant is a missense variant predicted to cause substitution of histidine by arginine at amino acid 1608. This variant is absent from gnomAD v4.1 (PM2_Supporting). The computational predictor REVEL gives a score of 0.962, which is evidence that correlates with impact to USH2A function (PP3). This missense change has been observed in individuals with clinical features of retinitis pigmentosa and/or Usher syndrome (PP4; PMID: 23591405, SCV001384682.6). One reported individual with Usher syndrome was compound heterozygous, and also harbored the pathogenic c.2299delG (p.E767SfsX21) variant in USH2A (PMID: 23591405). In at least one individual, the data is consistent with being in trans with a pathogenic variant (PM3; SCV001384682.6). In summary, this variant has been classified as a variant of uncertain significancefor autosomal recessive Usher syndrome based on the ACMG/AMP criteria applied, as specified by the ClinGen Hearing Loss VCEP: PM2_Supporting, PP3, PP4, PM3 (ClinGen Hearing Loss VCEP specifications version 2; 6/18/2025).

Women's Health and Genetics/Laboratory Corporation of America, LabCorp
Classification: Uncertain significance. Last evaluated: 2025-07-14. Review status: criteria provided, single submitter. Criteria: LabCorp Variant Classification Summary - May 2015. Collection method: clinical testing. Allele origin: germline. Not counted in ClinVar's aggregate classification.
Comment: Variant summary: USH2A c.4823A>G (p.His1608Arg) results in a non-conservative amino acid change located in the Laminin G domain (IPR001791) of the encoded protein sequence. Algorithms developed to predict the effect of missense changes on protein structure and function all suggest that this variant is likely to be disruptive. The variant was absent in 251030 control chromosomes. c.4823A>G has been reported in the literature in individuals affected with Usher Syndrome and/or retinitis pigmentosa (e.g. Glockle_2014, Weisschuh_2020, Labcorp(formerly Invitae)). These data indicate that the variant may be associated with disease. To our knowledge, no experimental evidence demonstrating an impact on protein function has been reported. The following publications have been ascertained in the context of this evaluation (PMID: 23591405, 32531858). ClinVar contains an entry for this variant (Variation ID: 942974). Based on the evidence outlined above, the variant was classified as VUS-possibly pathogenic.

Labcorp Genetics (formerly Invitae), Labcorp
Classification: Pathogenic. Last evaluated: 2022-07-05. Review status: criteria provided, single submitter. Criteria: Invitae Variant Classification Sherloc (09022015). Collection method: clinical testing. Allele origin: germline. Not counted in ClinVar's aggregate classification.
Comment: This sequence change replaces histidine, which is basic and polar, with arginine, which is basic and polar, at codon 1608 of the USH2A protein (p.His1608Arg). For these reasons, this variant has been classified as Pathogenic. This variant disrupts the p.His1608 amino acid residue in USH2A. Other variant(s) that disrupt this residue have been observed in individuals with USH2A-related conditions (PMID: 32675063; Invitae), which suggests that this may be a clinically significant amino acid residue. Algorithms developed to predict the effect of missense changes on protein structure and function (SIFT, PolyPhen-2, Align-GVGD) all suggest that this variant is likely to be disruptive. ClinVar contains an entry for this variant (Variation ID: 942974). This missense change has been observed in individual(s) with clinical features of retinitis pigmentosa and/or Usher syndrome (PMID: 23591405; Invitae). In at least one individual the data is consistent with being in trans (on the opposite chromosome) from a pathogenic variant. This variant is not present in population databases (gnomAD no frequency).

Institute of Human Genetics, Univ. Regensburg, Univ. Regensburg
Classification: Likely pathogenic for Retinal dystrophy. Last evaluated: 2019-01-01. Review status: criteria provided, single submitter. Criteria: ACMG Guidelines, 2015. Collection method: clinical testing. Allele origin: germline. Affected: yes. Not counted in ClinVar's aggregate classification.

Literature cited by the submitters: PubMed 23591405 (cited by 3 submitters); PubMed 32531858 (cited by Women's Health and Genetics/Laboratory Corporation of America, LabCorp); PubMed 32675063 (cited by Labcorp Genetics (formerly Invitae), Labcorp); PubMed 3253185 (cited by Institute of Human Genetics, Univ. Regensburg, Univ. Regensburg).